The following is an entry in ClinVar:

NM_001271696.3(ABCB7):c.355A>G (p.Lys119Glu)

Gene: ABCB7 (ATP binding cassette subfamily B member 7; minus strand). Cytogenetic location: Xq13.3.
Variant type: single nucleotide variant.
Coding change: c.355A>G on transcript NM_001271696.3 (MANE Select); coding-DNA position 355, A replaced by G.
Protein change: p.Lys119Glu; replaces lysine 119 with glutamic acid.
Molecular consequence: missense variant. On other transcripts: intron variant (2).
Genome position (GRCh38, 1-based): chrX:75,099,040, T>C on the plus strand (A>G on the coding strand, the complement: ABCB7 is on the minus strand). VCF-style: chrX-75099040-T-C. GRCh37 (hg19) VCF-style: chrX-74318875-T-C.
Other names: c.277A>G, p.Lys93Glu (NM_001271698.3); c.358A>G, p.Lys120Glu (NM_004299.6); c.333+13846A>G (NM_001271697.3); c.336+13846A>G (NM_001271699.3); short protein forms K119E, K120E, K93E.
Identifiers: ClinVar variation 3606556 (VCV003606556.2).

ClinVar aggregate classification (germline): Uncertain significance (1 of 4 stars; one submission).

gnomAD v4.1: 2 of 1,210,358 alleles (0.00017%); highest among the groups gnomAD compares: Admixed American, 0.0022%; no homozygotes.

Submission:

Labcorp Genetics (formerly Invitae), Labcorp
Classification: Uncertain significance. Last evaluated: 2024-02-03. Review status: criteria provided, single submitter. Criteria: Invitae Variant Classification Sherloc (09022015). Collection method: clinical testing. Allele origin: germline.
Comment: This sequence change replaces lysine, which is basic and polar, with glutamic acid, which is acidic and polar, at codon 120 of the ABCB7 protein (p.Lys120Glu). This variant is present in population databases (rs752284933, gnomAD 0.004%), including at least one homozygous and/or hemizygous individual. This variant has not been reported in the literature in individuals affected with ABCB7-related conditions. An algorithm developed to predict the effect of missense changes on protein structure and function (PolyPhen-2) suggests that this variant is likely to be tolerated. In summary, the available evidence is currently insufficient to determine the role of this variant in disease. Therefore, it has been classified as a Variant of Uncertain Significance.